The following is an entry in ClinVar:

NM_001009944.3(PKD1):c.4071G>T (p.Leu1357=)

Gene: PKD1 (polycystin 1, transient receptor potential channel interacting; minus strand). Cytogenetic location: 16p13.3.
Variant type: single nucleotide variant.
Coding change: c.4071G>T on transcript NM_001009944.3 (MANE Select); coding-DNA position 4071, G replaced by T.
Protein change: p.Leu1357=; no amino-acid change (leucine 1357 retained).
Molecular consequence: synonymous variant.
Genome position (GRCh38, 1-based): chr16:2,111,096, C>A on the plus strand (G>T on the coding strand, the complement: PKD1 is on the minus strand). VCF-style: chr16-2111096-C-A. GRCh37 (hg19) VCF-style: chr16-2161097-C-A.
Other names: p.Leu1357=; c.4071G>T, p.Leu1357= (NM_000296.4).
Identifiers: ClinVar variation 256961 (VCV000256961.52), dbSNP rs145737766, ClinGen allele CA7832499.
Genomic context (GRCh38, chr16:2,111,096, plus strand): 5'-CTCCACGCAGATGCTGGTGAAGTAATGCGCCCTGTTCACGCGGCTGGACAGCACCAGCGC[C>A]AGGGGGAACGTGCCGCTCCGCGTGAAGTTGTGTGTCACCGTCGGGCACCCCCGCACGGTC-3'
Protein context (NP_001009944.3, residues 1347-1367): HNFTRSGTFP[Leu1357=]ALVLSSRVNR

ClinVar aggregate classification (germline): Benign/Likely benign. Review status: criteria provided, multiple submitters, no conflicts (2 of 4 stars). 12 submissions from 12 submitters: Benign (6); Likely benign (3). 3 of the submissions do not count toward it. Last evaluated 2026-09-01.

Conditions:
Polycystic kidney disease, adult type (PKD1). Also called: POLYCYSTIC KIDNEY DISEASE, ADULT, TYPE I; Polycystic Kidney, Autosomal Dominant; Polycystic Kidney Disease 1, Autosomal Dominant; Polycystic kidney disease 1; Polycystic kidney disease 1, severe; POLYCYSTIC KIDNEY DISEASE 1 WITH OR WITHOUT POLYCYSTIC LIVER DISEASE. Identifiers: MedGen C3149841, MONDO:0008263, OMIM 173900.
Polycystic kidney disease. Also called: Kidney, Polycystic; Polycystic kidney dysplasia. Identifiers: MedGen C0022680, MeSH D007690, MONDO:0020642, HP:0000113.

Allele frequency attached by ClinVar (database versions not stated): 1000 Genomes Project 30x 0.00359; 1000 Genomes Project 0.00379; ExAC 0.00574; gnomAD exomes 0.00602 and 0.00834; gnomAD 0.00633 and 0.00637; ESP Exome Variant Server 0.00678; TOPMed 0.00685.
gnomAD v4.1: 13,122 of 1,610,736 alleles (0.81%); highest among the groups gnomAD compares: Non-Finnish European, 0.99%; 99 homozygotes.

Submissions (12):

CeGaT Center for Human Genetics Tuebingen
Classification: Likely benign. Last evaluated: 2026-09-01. Review status: criteria provided, single submitter. Criteria: CeGaT Center For Human Genetics Tuebingen Variant Classification Criteria Version 2. Collection method: clinical testing. Allele origin: germline. Affected: yes. Observed: 30 variant alleles.
Comment: PKD1: BP4, BP7, BS2

Athena Diagnostics
Classification: Benign. Last evaluated: 2025-09-11. Review status: criteria provided, single submitter. Criteria: Athena Diagnostics Criteria. Collection method: clinical testing. Allele origin: unknown.
Comment: The frequency of this variant in the general population is higher than would generally be expected for pathogenic variants in this gene.

Women's Health and Genetics/Laboratory Corporation of America, LabCorp
Classification: Benign. Last evaluated: 2025-04-25. Review status: criteria provided, single submitter. Criteria: LabCorp Variant Classification Summary - May 2015. Collection method: clinical testing. Allele origin: germline.

Blueprint Genetics
Classification: Benign. Last evaluated: 2024-11-26. Review status: criteria provided, single submitter. Criteria: ACMG Guidelines, 2015. Collection method: clinical testing. Allele origin: germline.

Mayo Clinic Laboratories, Mayo Clinic
Classification: Benign. Last evaluated: 2023-12-08. Review status: criteria provided, single submitter. Criteria: ACMG Guidelines, 2015. Collection method: clinical testing. Allele origin: germline. Observed: 12 variant alleles.
Comment: BS1, BS2, BP4, BP7

GeneDx
Classification: Likely benign. Last evaluated: 2021-03-08. Review status: criteria provided, single submitter. Criteria: GeneDx Variant Classification Process June 2021. Collection method: clinical testing. Allele origin: germline. Affected: yes.
Comment: This variant is associated with the following publications: (PMID: 17574468, 22008521, 22383692)

ARUP Laboratories, Molecular Genetics and Genomics, ARUP Laboratories
Classification: Benign for Polycystic kidney disease, adult type. Last evaluated: 2020-04-20. Review status: criteria provided, single submitter. Criteria: ARUP Molecular Germline Variant Investigation Process. Collection method: clinical testing. Allele origin: germline.

Breakthrough Genomics
Classification: Likely benign. Review status: criteria provided, single submitter. Criteria: ACMG Guidelines, 2015. Collection method: not provided. Allele origin: germline. Inheritance: Autosomal dominant inheritance. Affected: yes.

PreventionGenetics, part of Exact Sciences
Classification: Benign. Review status: criteria provided, single submitter. Criteria: ACMG Guidelines, 2015. Collection method: clinical testing. Allele origin: germline.

Department of Pathology and Laboratory Medicine, Sinai Health System
Classification: Benign for Polycystic Kidney disease. Review status: no assertion criteria provided. Collection method: clinical testing. Allele origin: unknown. Affected: yes. Study: The Canadian Open Genetics Repository (COGR). Not counted in ClinVar's aggregate classification.
Comment: The PKD1 p.Leu1357Leu variant was identified in 8 of 698 proband chromosomes (frequency: 0.011) from individuals or families with ADPKD (Bataille 2011, Garcia-Gonzalez 2007, Rossetti 2012). The variant was also identified in dbSNP (ID: rs145737766) as â€šÃ„ÃºNAâ€šÃ„Ã¹, the ADPKD Mutation Database (as likely neutral), 1000 Genomes Project in 19 of 5000 chromosomes (frequency: 0.0038), the Exome Aggregation Consortium database (March 14, 2016) in 677 (11 homozygous) of 117978 chromosomes (freq. 0.006) in the following populations: European in 552 of 64394 chromosomes (freq. 0.009), Latino in 54 of 11464 chromosomes (freq. 0.005), South Asian in 45 of 16480 chromosomes (freq. 0.003), African in 13 of 9812 chromosomes (freq. 0.001), Finnish in 12 of 6442 chromosomes (freq. 0.002), Other in 1 of 8530 chromosomes (freq. 0.001), increasing the likelihood this could be a low frequency benign variant. In addition we cannot be certain that data from control databases is specific to PKD1 and not from one of the six PKD1 pseudogenes. The variant was not identified in Clinvitae, ClinVar, GeneInsight COGR, MutDB, PKD1-LOVD, and PKD1-LOVD 3.0. The p.Leu1357Leu variant is not expected to have clinical significance because it does not result in a change of amino acid and is not located in a known consensus splice site. The variant occurs outside of the splicing consensus sequence and in silico or computational prediction software programs (SpliceSiteFinder, MaxEntScan, NNSPLICE, GeneSplicer, HumanSpliceFinder) do not predict a difference in splicing. In addition, several PKD studies classify the variant as known exonic polymorphic variant (Bataille 2011, Garcia-Gonzalez 2007, Rossetti 2012). In summary, based on the above information, this variant meets our laboratory criteria to be classified as benign.

Genome Diagnostics Laboratory, University Medical Center Utrecht
Classification: Benign. Review status: no assertion criteria provided. Collection method: clinical testing. Allele origin: germline. Affected: yes. Study: VKGL Data-share Consensus. Not counted in ClinVar's aggregate classification.

Laboratory of Diagnostic Genome Analysis, Leiden University Medical Center (LUMC)
Classification: Likely benign. Review status: no assertion criteria provided. Collection method: clinical testing. Allele origin: germline. Affected: yes. Study: VKGL Data-share Consensus. Not counted in ClinVar's aggregate classification.

Literature cited by the submitters: PubMed 27401137 (cited by Athena Diagnostics); PubMed 27499327 (cited by Athena Diagnostics); PubMed 22383692 (cited by Athena Diagnostics); PubMed 22008521 (cited by Athena Diagnostics and Mayo Clinic Laboratories, Mayo Clinic).